The following is an entry in ClinVar:

NM_000426.4(LAMA2):c.3038-7G>A

Gene: LAMA2 (laminin subunit alpha 2; plus strand). Cytogenetic location: 6q22.33.
Variant type: single nucleotide variant.
Coding change: c.3038-7G>A on transcript NM_000426.4 (MANE Select); 7 bases into the intron before coding-DNA position 3038, G replaced by A.
Molecular consequence: intron variant.
Genome position (GRCh38, 1-based): chr6:129,300,729, G>A. VCF-style: chr6-129300729-G-A. GRCh37 (hg19) VCF-style: chr6-129621874-G-A.
Other names: c.3038-7G>A (NM_001079823.2).
Identifiers: ClinVar variation 643601 (VCV000643601.8), dbSNP rs767841898, ClinGen allele CA3993155.

ClinVar aggregate classification (germline): Pathogenic/Likely pathogenic. Review status: criteria provided, multiple submitters, no conflicts (2 of 4 stars). 4 submissions from 4 submitters: Pathogenic (2); Likely pathogenic (2). Last evaluated 2025-12-10.

Conditions:
LAMA2-related disorder. Also called: LAMA2-related condition; LAMA2-related disorders.
Merosin deficient congenital muscular dystrophy (MDC1A). Also called: Congenital Muscular Dystrophy Type 1A (MDC1A); Congenital merosin-deficient muscular dystrophy 1A. Identifiers: Orphanet 258, MedGen C1263858, MONDO:0011925, OMIM 607855.
Muscular dystrophy, limb-girdle, autosomal recessive 23. Identifiers: Orphanet 565837, MedGen C4748327, MONDO:0029136, OMIM 618138.
LAMA2-related muscular dystrophy (LAMA2-RD). Also called: Laminin alpha 2-related dystrophy. Identifiers: MedGen C5679788, MONDO:0100228.

Allele frequency attached by ClinVar (database versions not stated): TOPMed below 0.00001; ExAC 0.00001; gnomAD 0.00001; gnomAD exomes 0.00001.
gnomAD v4.1: 17 of 1,613,280 alleles (0.0011%); highest among the groups gnomAD compares: South Asian, 0.0055%; no homozygotes.

Submissions (4):

Labcorp Genetics (formerly Invitae), Labcorp
Classification: Pathogenic for LAMA2-related muscular dystrophy. Last evaluated: 2025-12-10. Review status: criteria provided, single submitter. Criteria: Invitae Variant Classification Sherloc (09022015). Collection method: clinical testing. Allele origin: germline.
Comment: This sequence change falls in intron 21 of the LAMA2 gene. It does not directly change the encoded amino acid sequence of the LAMA2 protein. This variant is present in population databases (rs767841898, gnomAD 0.003%). This variant has been observed in individual(s) with clinical features of muscular dystrophy (PMID: 30301903; internal data). In at least one individual the data is consistent with being in trans (on the opposite chromosome) from a pathogenic variant. ClinVar contains an entry for this variant (Variation ID: 643601). Algorithms developed to predict the effect of sequence changes on RNA splicing suggest that this variant may disrupt the consensus splice site. For these reasons, this variant has been classified as Pathogenic.

Fulgent Genetics
Classification: Likely pathogenic for Merosin deficient congenital muscular dystrophy; Muscular dystrophy, limb-girdle, autosomal recessive 23. Last evaluated: 2024-03-07. Review status: criteria provided, single submitter. Criteria: ACMG Guidelines, 2015. Collection method: clinical testing. Allele origin: germline.

Women's Health and Genetics/Laboratory Corporation of America, LabCorp
Classification: Pathogenic for LAMA2-related muscular dystrophy. Last evaluated: 2023-09-27. Review status: criteria provided, single submitter. Criteria: LabCorp Variant Classification Summary - May 2015. Collection method: clinical testing. Allele origin: germline.
Comment: Variant summary: LAMA2 c.3038-7G>A alters a non-conserved nucleotide located close to a canonical splice site and therefore could affect mRNA splicing, leading to a significantly altered protein sequence. Several computational tools predict a significant impact on normal splicing: one predicts the variant weakens a canonical 3' acceptor site and three predict the variant creates an alternative 3' acceptor site five nucleotides upstream, potentially leading to a frameshift. However, these predictions have yet to be confirmed by functional studies. The variant allele was found at a frequency of 8e-06 in 251426 control chromosomes (gnomAD). The available data on variant occurrences in the general population are insufficient to allow any conclusion about variant significance. c.3038-7G>A has been reported in the literature in multiple compound heterozygous individuals affected with Laminin Alpha 2-Related Dystrophy (e.g., Ge_2018, Ge_2019, Natera-deBenito_2020, Tan_2021, Quijano-Roy_2022, Zidkova_2023). These data indicate that the variant is very likely to be associated with disease. To our knowledge, no experimental evidence demonstrating an impact on protein function has been reported. The following publications have been ascertained in the context of this evaluation (PMID: 31066047, 30301903, 32266982, 34559299, 34281576, 37526466). One submitter has reported clinical-significance assessments for this variant to ClinVar after 2014 and has classified the variant as pathogenic. Based on the evidence outlined above, the variant was classified as pathogenic.

Blueprint Genetics
Classification: Likely pathogenic for LAMA2-related disorders. Last evaluated: 2022-01-06. Review status: criteria provided, single submitter. Criteria: ACMG Guidelines, 2015. Collection method: clinical testing. Allele origin: germline. Affected: yes. Observed: 1 variant allele.

Literature cited by the submitters: PubMed 30301903 (cited by Labcorp Genetics (formerly Invitae), Labcorp and Women's Health and Genetics/Laboratory Corporation of America, LabCorp); PubMed 31066047 (cited by Women's Health and Genetics/Laboratory Corporation of America, LabCorp); PubMed 34281576 (cited by Women's Health and Genetics/Laboratory Corporation of America, LabCorp); PubMed 32266982 (cited by Women's Health and Genetics/Laboratory Corporation of America, LabCorp); PubMed 34559299 (cited by Women's Health and Genetics/Laboratory Corporation of America, LabCorp); PubMed 37526466 (cited by Women's Health and Genetics/Laboratory Corporation of America, LabCorp).